The following is an entry in ClinVar:

ClinVar aggregate classification (germline): Pathogenic. Review status: criteria provided, single submitter (1 of 4 stars). 2 submissions from 2 submitters: Pathogenic (1). 1 of the submissions does not count toward it. Last evaluated 2024-06-07.

Conditions:
Mucopolysaccharidosis, MPS-II (MPS2). Also called: IDS deficiency; Sulfoiduronate sulfatase deficiency; SIDS deficiency; Mucopolysaccharidosis type 2; Mucopolysaccharidosis Type II; Attenuated MPS (subtype; formerly known as mild MPS II). Identifiers: Orphanet 580, Orphanet 79388, MedGen C0026705, MONDO:0010674, OMIM 309900.

Submissions (2):

Laboratory of Diagnosis and Therapy of Lysosomal Disorders, University of Padova
Classification: Pathogenic for Mucopolysaccharidosis, MPS-II. Last evaluated: 2024-06-07. Review status: criteria provided, single submitter. Criteria: ACMG Guidelines, 2015. Collection method: literature only. Allele origin: germline. Affected: yes. Observed: 1 variant allele.
Comment: Null variant (PVS1_Strong), Absent from controls (or at low frequency) in gnomAD database (PM2_Moderate), Patient’s phenotype or family history highly specific for the disease (PP4_Strong)

Classification method: ACMG Guidelines [PMID:25741868] with modifications

Laboratory of Inherited Metabolic Diseases, Research centre for medical genetics
Classification: Pathogenic for Mucopolysaccharidosis, type II; MPS2. Review status: no assertion criteria provided. Collection method: research. Allele origin: germline. Affected: yes. Not counted in ClinVar's aggregate classification.

Literature cited by the submitters: PubMed 33676511 (cited by Laboratory of Diagnosis and Therapy of Lysosomal Disorders, University of Padova).

NM_000202.8(IDS):c.1191del (p.Met398fs)

Gene: IDS (iduronate 2-sulfatase; minus strand). Cytogenetic location: Xq28.
Variant type: Deletion.
Coding change: c.1191del on transcript NM_000202.8 (MANE Select); coding-DNA position 1191, one base deleted (C; older notation c.1191delC).
Protein change: p.Met398fs; shifts the reading frame from methionine 398.
Molecular consequence: frameshift variant.
Genome position (GRCh38, 1-based): chrX:149,483,208, G deleted on the plus strand (C on the coding strand, the reverse complement: IDS is on the minus strand); the first of 2 consecutive G bases (chrX:149,483,208-149,483,209); deleting either gives the same sequence. VCF-style (leftmost placement, unchanged base first): chrX-149483207-TG-T. GRCh37 (hg19) VCF-style: chrX-148564738-TG-T.
Other names: c.921del, p.Met308fs (NM_001166550.4); short protein forms M308fs, M398fs.
Identifiers: ClinVar variation 988693 (VCV000988693.3), dbSNP rs2089308367, ClinGen allele CA2465004091.
Genomic context (GRCh38, chrX:149,483,207, plus strand): 5'-CCTGCAGTCCTGCAAGTCCAGCCAGCGTGGGAAAAAGAGACACAAGTTCCACAAGGTCCA[TG>T]GATTGCCTGCCTGAAACAGGAAGCGACAGAGCAGAATGGGTTACATTATAAAAGCCTGCC-3'